The following is an entry in ClinVar:

ClinVar aggregate classification (germline): Pathogenic/Likely pathogenic. Review status: criteria provided, multiple submitters, no conflicts (2 of 4 stars). 6 submissions from 6 submitters: Pathogenic (2); Likely pathogenic (1). 3 of the submissions do not count toward it. Last evaluated 2025-01-13.

Conditions:
Hypotonia, infantile, with psychomotor retardation and characteristic facies 3 (IHPRF3). Also called: TBCK-Related Neurodevelopmental Disorder. Identifiers: Orphanet 488632, MedGen C5567480, MONDO:0014823, OMIM 616900.

Allele frequency attached by ClinVar (database versions not stated): ExAC 0.00001; gnomAD 0.00001; gnomAD exomes 0.00001; TOPMed 0.00001.
gnomAD v4.1: 19 of 1,610,472 alleles (0.0012%); highest among the groups gnomAD compares: Non-Finnish European, 0.0016%; no homozygotes.

Submissions (6):

Broad Center for Mendelian Genomics, Broad Institute of MIT and Harvard
Classification: Likely pathogenic for Hypotonia, infantile, with psychomotor retardation and characteristic facies 3. Last evaluated: 2025-01-13. Review status: criteria provided, single submitter. Criteria: ACMG Guidelines, 2015. Collection method: curation. Allele origin: germline. Inheritance: Autosomal recessive inheritance.
Comment: The p.Trp545Ter variant in TBCK has not been previously reported in the literature in individuals with TBCK-related intellectual disability syndrome, but has been identified in 0.002% (19/1178034) of European (non-Finnish) chromosomes by the Genome Aggregation Database (gnomAD; dbSNP ID: rs759892467). Although this variant has been seen in the general population in a heterozygous state, its frequency is low enough to be consistent with a recessive carrier frequency. This variant has also been reported in ClinVar (Variation ID: 1175036) and has been interpreted as pathogenic by multiple submitters. This nonsense variant leads to a premature termination codon at position 545, which is predicted to lead to a truncated or absent protein. Loss of function of the TBCK gene is an established disease mechanism in autosomal recessive TBCK-related intellectual disability syndrome. In summary, although additional studies are required to fully establish its clinical significance, this variant is likely pathogenic for autosomal recessive TBCK-related intellectual disability syndrome. ACMG/AMP Criteria applied: PVS1, PM2_supporting (Richards 2015).

GeneDx
Classification: Pathogenic. Last evaluated: 2024-03-20. Review status: criteria provided, single submitter. Criteria: GeneDx Variant Classification Process June 2021. Collection method: clinical testing. Allele origin: germline. Affected: yes.
Comment: Nonsense variant predicted to result in protein truncation or nonsense mediated decay in a gene for which loss-of-function is a known mechanism of disease; Has not been previously published as pathogenic or benign to our knowledge

Labcorp Genetics (formerly Invitae), Labcorp
Classification: Pathogenic. Last evaluated: 2023-10-03. Review status: criteria provided, single submitter. Criteria: Invitae Variant Classification Sherloc (09022015). Collection method: clinical testing. Allele origin: germline.
Comment: This sequence change creates a premature translational stop signal (p.Trp545*) in the TBCK gene. It is expected to result in an absent or disrupted protein product. Loss-of-function variants in TBCK are known to be pathogenic (PMID: 27040692, 30103036). This variant is present in population databases (rs759892467, gnomAD 0.004%). This variant has not been reported in the literature in individuals affected with TBCK-related conditions. ClinVar contains an entry for this variant (Variation ID: 1175036). For these reasons, this variant has been classified as Pathogenic.

Clinical Genetics DNA and cytogenetics Diagnostics Lab, Erasmus MC, Erasmus Medical Center
Classification: Pathogenic. Review status: no assertion criteria provided. Collection method: clinical testing. Allele origin: germline. Affected: yes. Study: VKGL Data-share Consensus. Not counted in ClinVar's aggregate classification.

Diagnostic Laboratory, Department of Genetics, University Medical Center Groningen
Classification: Pathogenic. Review status: no assertion criteria provided. Collection method: clinical testing. Allele origin: germline. Affected: yes. Study: VKGL Data-share Consensus. Not counted in ClinVar's aggregate classification.

Joint Genome Diagnostic Labs from Nijmegen and Maastricht, Radboudumc and MUMC+
Classification: Pathogenic. Review status: no assertion criteria provided. Collection method: clinical testing. Allele origin: germline. Affected: yes. Study: VKGL Data-share Consensus. Not counted in ClinVar's aggregate classification.

Literature cited by the submitters: PubMed 27040692 (cited by Labcorp Genetics (formerly Invitae), Labcorp); PubMed 30103036 (cited by Labcorp Genetics (formerly Invitae), Labcorp).

NM_001163435.3(TBCK):c.1635G>A (p.Trp545Ter)

Gene: TBCK (TBC1 domain containing kinase; minus strand). Cytogenetic location: 4q24.
Variant type: single nucleotide variant.
Coding change: c.1635G>A on transcript NM_001163435.3 (MANE Select); coding-DNA position 1635, G replaced by A.
Protein change: p.Trp545Ter; replaces tryptophan 545 with a stop codon.
Molecular consequence: nonsense.
Genome position (GRCh38, 1-based): chr4:106,232,942, C>T on the plus strand (G>A on the coding strand, the complement: TBCK is on the minus strand). VCF-style: chr4-106232942-C-T. GRCh37 (hg19) VCF-style: chr4-107154099-C-T.
Other names: NM_001163435.3(TBCK):c.1635G>A; p.Trp545Ter; c.1635G>A, p.Trp545Ter (NM_001163436.4); c.1518G>A, p.Trp506Ter (NM_001163437.3); c.1119G>A, p.Trp373Ter (NM_001290768.2); c.1446G>A, p.Trp482Ter (NM_033115.5); c.1635G>A (NM_001163435.2); short protein forms W373*, W482*, W506*, W545*.
Identifiers: ClinVar variation 1175036 (VCV001175036.11), dbSNP rs759892467, ClinGen allele CA3035007.